The following is an entry in ClinVar:

NM_052947.4(ALPK2):c.4293A>T (p.Arg1431Ser)

Genes: ALPK2 (alpha kinase 2; minus strand), LOC126862764 (BRD4-independent group 4 enhancer GRCh37_chr18:56202574-56203773; plus strand). Cytogenetic location: 18q21.31.
Variant type: single nucleotide variant.
Coding change: c.4293A>T on transcript NM_052947.4 (MANE Select); coding-DNA position 4293, A replaced by T.
Protein change: p.Arg1431Ser; replaces arginine 1431 with serine.
Molecular consequence: missense variant.
Genome position (GRCh38, 1-based): chr18:58,535,894, T>A on the plus strand (A>T on the coding strand, the complement: ALPK2 is on the minus strand). VCF-style: chr18-58535894-T-A. GRCh37 (hg19) VCF-style: chr18-56203126-T-A.
Other names: short protein forms R1431S.
Identifiers: ClinVar variation 2449272 (VCV002449272.2), dbSNP rs2518875053, ClinGen allele CA402563317.
Genomic context (GRCh38, chr18:58,535,894, plus strand): 5'-AATGGCCGGCTGGATTTCCGCTTCGTGGCCCATGTTTCCGTCATTTGATTGACCCCCTTC[T>A]CTGGCGCCCTGTGGTGTGGTTTCAGAGGGCTCTGGTTTTCCAGCCCTGGTGTACTCTATC-3'
Protein context (NP_443179.3, residues 1421-1441): EPSETTPQGA[Arg1431Ser]EGGQSNDGNM

ClinVar aggregate classification (germline): Uncertain significance (1 of 4 stars; one submission).

Submission:

Ambry Genetics
Classification: Uncertain significance. Last evaluated: 2023-01-30. Review status: criteria provided, single submitter. Criteria: Ambry Variant Classification Scheme 2023. Collection method: clinical testing. Allele origin: germline.
Comment: The p.R1431S variant (also known as c.4293A>T), located in coding exon 4 of the ALPK2 gene, results from an A to T substitution at nucleotide position 4293. The arginine at codon 1431 is replaced by serine, an amino acid with dissimilar properties. This amino acid position is conserved. In addition, this alteration is predicted to be tolerated by in silico analysis. Since supporting evidence is limited at this time, the clinical significance of this alteration remains unclear.